The following is an entry in ClinVar:

ClinVar aggregate classification (germline): Benign/Likely benign. Review status: criteria provided, multiple submitters, no conflicts (2 of 4 stars). 6 submissions from 6 submitters: Benign (1); Likely benign (4). 1 of the submissions does not count toward it. Last evaluated 2025-08-18.

Conditions:
Coxopodopatellar syndrome. Also called: Congenital coxa vara, patella aplasia and tarsal synostosis; SCOTT-TAOR SYNDROME; Small patella syndrome; ISCHIOCOXOPODOPATELLAR SYNDROME; PATELLA APLASIA, COXA VARA, AND TARSAL SYNOSTOSIS; ISCHIOCOXOPODOPATELLAR SYNDROME WITH OR WITHOUT PULMONARY ARTERIAL HYPERTENSION. Identifiers: Orphanet 1509, MedGen C1840061, MONDO:0007841, OMIM 147891.
TBX4-related disorder. Also called: TBX4-related condition; TBX4-related disorders.

Allele frequency attached by ClinVar (database versions not stated): gnomAD exomes 0.00093 and 0.00064; 1000 Genomes Project 30x 0.00094; 1000 Genomes Project 0.00100; ESP Exome Variant Server 0.00031; gnomAD 0.00051 and 0.00063; TOPMed 0.00073; ExAC 0.00077.
gnomAD v4.1: 1,064 of 1,614,098 alleles (0.066%); highest among the groups gnomAD compares: Middle Eastern, 0.59%; 6 homozygotes.

Submissions (6):

Genomic Medicine Center of Excellence, King Faisal Specialist Hospital and Research Centre
Classification: Likely benign. Last evaluated: 2025-08-18. Review status: criteria provided, single submitter. Criteria: ACMG Guidelines, 2015. Collection method: clinical testing. Allele origin: germline.

Blueprint Genetics
Classification: Likely benign. Last evaluated: 2024-11-19. Review status: criteria provided, single submitter. Criteria: ACMG Guidelines, 2015. Collection method: clinical testing. Allele origin: germline.

Labcorp Genetics (formerly Invitae), Labcorp
Classification: Likely benign. Last evaluated: 2024-09-24. Review status: criteria provided, single submitter. Criteria: Invitae Variant Classification Sherloc (09022015). Collection method: clinical testing. Allele origin: germline.

CeGaT Center for Human Genetics Tuebingen
Classification: Likely benign. Last evaluated: 2024-09-01. Review status: criteria provided, single submitter. Criteria: CeGaT Center For Human Genetics Tuebingen Variant Classification Criteria Version 2. Collection method: clinical testing. Allele origin: germline. Affected: yes. Observed: 1 variant allele.
Comment: TBX4: BS2

Illumina Laboratory Services, Illumina
Classification: Benign for Coxopodopatellar syndrome. Last evaluated: 2018-01-13. Review status: criteria provided, single submitter. Criteria: ICSL Variant Classification Criteria 13 December 2019. Collection method: clinical testing. Allele origin: germline.
Comment: This variant was observed in the ICSL laboratory as part of a predisposition screen in an ostensibly healthy population. It had not been previously curated by ICSL or reported in the Human Gene Mutation Database (HGMD: prior to June 1st, 2018), and was therefore a candidate for classification through an automated scoring system. Utilizing variant allele frequency, disease prevalence and penetrance estimates, and inheritance mode, an automated score was calculated to assess if this variant is too frequent to cause the disease. Based on the score and internal cut-off values, a variant classified as benign is not then subjected to further curation. The score for this variant resulted in a classification of benign for this disease.

PreventionGenetics, part of Exact Sciences
Classification: Benign for TBX4-related condition. Last evaluated: 2019-10-31. Review status: no assertion criteria provided. Collection method: clinical testing. Allele origin: germline. Not counted in ClinVar's aggregate classification.
Comment: This variant is classified as benign based on ACMG/AMP sequence variant interpretation guidelines (Richards et al. 2015 PMID: 25741868, with internal and published modifications).

NM_001321120.2(TBX4):c.1217C>G (p.Ser406Cys)

Gene: TBX4 (T-box transcription factor 4; plus strand). Cytogenetic location: 17q23.2.
Variant type: single nucleotide variant.
Coding change: c.1217C>G on transcript NM_001321120.2 (MANE Select); coding-DNA position 1217, C replaced by G.
Protein change: p.Ser406Cys; replaces serine 406 with cysteine.
Molecular consequence: missense variant.
Genome position (GRCh38, 1-based): chr17:61,483,092, C>G. VCF-style: chr17-61483092-C-G. GRCh37 (hg19) VCF-style: chr17-59560453-C-G.
Other names: c.1217C>G, p.Ser406Cys (LRG_1206t1); c.1214C>G, p.Ser405Cys (NM_018488.3); short protein forms S405C, S406C.
Identifiers: ClinVar variation 324261 (VCV000324261.32), dbSNP rs140662248, ClinGen allele CA8690047.